The following is an entry in ClinVar:

ClinVar aggregate classification (germline): Pathogenic (1 of 4 stars; one submission).

Conditions:
Primary ciliary dyskinesia 3. Identifiers: Orphanet 244, MedGen C1837618, MONDO:0012085, OMIM 608644.

Submission:

Myriad Genetics, Inc.
Classification: Pathogenic for Primary ciliary dyskinesia 3. Last evaluated: 2024-05-14. Review status: criteria provided, single submitter. Criteria: Myriad Autosomal Dominant, Autosomal Recessive and X-Linked Classification Criteria (2023). Collection method: clinical testing. Allele origin: unknown.
Comment: NM_001369.2(DNAH5):c.5578_5579ins11(N1860Ifs*15) is expected to be pathogenic in the context of primary ciliary dyskinesia, DNAH5-related. This variant is predicted to lead to an abnormal or absent protein product due to the creation of a premature termination codon in DNAH5, a gene where loss-of-function variants are known to be pathogenic. Please note: this variant was assessed in the context of healthy population screening.

NM_001369.3(DNAH5):c.5578_5579insTAAGAGACAGT (p.Asn1860fs)

Gene: DNAH5 (dynein axonemal heavy chain 5; minus strand). Cytogenetic location: 5p15.2.
Variant type: Insertion.
Coding change: c.5578_5579insTAAGAGACAGT on transcript NM_001369.3 (MANE Select); coding-DNA positions 5578 to 5579, TAAGAGACAGT inserted.
Protein change: p.Asn1860fs; shifts the reading frame from asparagine 1860.
Molecular consequence: frameshift variant.
Genome position: GRCh38 VCF-style: chr5-13841036-T-TACTGTCTCTTA. GRCh37 (hg19) VCF-style: chr5-13841145-T-TACTGTCTCTTA.
Other names: short protein forms N1860fs.
Identifiers: ClinVar variation 5011147 (VCV005011147.1).